The following is an entry in ClinVar:

NM_000444.6(PHEX):c.1529G>C (p.Arg510Pro)

Gene: PHEX (phosphate regulating endopeptidase X-linked; plus strand). Cytogenetic location: Xp22.11.
Variant type: single nucleotide variant.
Coding change: c.1529G>C on transcript NM_000444.6 (MANE Select); coding-DNA position 1529, G replaced by C.
Protein change: p.Arg510Pro; replaces arginine 510 with proline.
Molecular consequence: missense variant.
Genome position (GRCh38, 1-based): chrX:22,178,319, G>C. VCF-style: chrX-22178319-G-C. GRCh37 (hg19) VCF-style: chrX-22196436-G-C.
Other names: c.1529G>C, p.Arg510Pro (NM_001282754.2); short protein forms R510P.
Identifiers: ClinVar variation 830034 (VCV000830034.5), dbSNP rs915608304, ClinGen allele CA412574878.
Genomic context (GRCh38, chrX:22,178,319, plus strand): 5'-TTTGTTTTATTCAGATCAAGTTTTCAGAAGCCGACTACTTTGGCAACGTCCTACAAACTC[G>C]CAAGTATTTAGCACAGTCTGATTTCTTCTGGCTAAGAAAAGCCGTTCCAAAAACAGAGTG-3'
Protein context (NP_000435.3, residues 500-520): ADYFGNVLQT[Arg510Pro]KYLAQSDFFW

ClinVar aggregate classification (germline): Pathogenic. Review status: criteria provided, single submitter (1 of 4 stars). 2 submissions from 2 submitters: Pathogenic (1). 1 of the submissions does not count toward it. Last evaluated 2024-07-06.

Conditions:
Familial X-linked hypophosphatemic vitamin D refractory rickets (XLHRD). Also called: Hypophosphatemic Rickets, X-Linked Dominant; Hypophosphatemia, vitamin D-resistant rickets; Vitamin D-resistant rickets, X-linked; X-Linked Hypophosphatemia; HYPOPHOSPHATEMIC VITAMIN D-RESISTANT RICKETS. Identifiers: Orphanet 89936, MedGen C0733682, MONDO:0010619, OMIM 307800.

Submissions (2):

Labcorp Genetics (formerly Invitae), Labcorp
Classification: Pathogenic. Last evaluated: 2024-07-06. Review status: criteria provided, single submitter. Criteria: Invitae Variant Classification Sherloc (09022015). Collection method: clinical testing. Allele origin: germline.
Comment: This sequence change replaces arginine, which is basic and polar, with proline, which is neutral and non-polar, at codon 510 of the PHEX protein (p.Arg510Pro). This variant is not present in population databases (gnomAD no frequency). This missense change has been observed in individual(s) with X-linked hypophosphatemia (PMID: 14564077, 21902834; Invitae). ClinVar contains an entry for this variant (Variation ID: 830034). Advanced modeling of protein sequence and biophysical properties (such as structural, functional, and spatial information, amino acid conservation, physicochemical variation, residue mobility, and thermodynamic stability) performed at Invitae indicates that this missense variant is expected to disrupt PHEX protein function with a positive predictive value of 95%. For these reasons, this variant has been classified as Pathogenic.

Bioscientia Institut fuer Medizinische Diagnostik GmbH, Sonic Healthcare
Classification: Likely pathogenic for Familial X-linked hypophosphatemic vitamin D refractory rickets. Last evaluated: 2019-11-05. Review status: no assertion criteria provided. Collection method: clinical testing. Allele origin: germline. Affected: yes. Not counted in ClinVar's aggregate classification.

Literature cited by the submitters: PubMed 14564077 (cited by Labcorp Genetics (formerly Invitae), Labcorp); PubMed 21902834 (cited by Labcorp Genetics (formerly Invitae), Labcorp).